The following is an entry in ClinVar:

NM_001375524.1(TRRAP):c.5684C>T (p.Ala1895Val)

Gene: TRRAP (transformation/transcription domain associated protein; plus strand). Cytogenetic location: 7q22.1.
Variant type: single nucleotide variant.
Coding change: c.5684C>T on transcript NM_001375524.1 (MANE Select); coding-DNA position 5684, C replaced by T.
Protein change: p.Ala1895Val; replaces alanine 1895 with valine.
Molecular consequence: missense variant.
Genome position (GRCh38, 1-based): chr7:98,953,387, C>T. VCF-style: chr7-98953387-C-T. GRCh37 (hg19) VCF-style: chr7-98551010-C-T.
Other names: c.5663C>T, p.Ala1888Val (NM_001244580.2); c.5609C>T, p.Ala1870Val (NM_003496.4); short protein forms A1888V, A1895V, A1870V.
Identifiers: ClinVar variation 3974498 (VCV003974498.2).

ClinVar aggregate classification (germline): Uncertain significance. Review status: criteria provided, multiple submitters, no conflicts (2 of 4 stars). 2 submissions from 2 submitters: Uncertain significance (2). Last evaluated 2025-10-02.

Conditions:
Inborn genetic diseases. Identifiers: MedGen C0950123, MeSH D030342.

gnomAD v4.1: 4 of 1,613,314 alleles (0.00025%); highest among the groups gnomAD compares: Non-Finnish European, 0.00025%; no homozygotes.

Submissions (2):

Labcorp Genetics (formerly Invitae), Labcorp
Classification: Uncertain significance. Last evaluated: 2025-10-02. Review status: criteria provided, single submitter. Criteria: Invitae Variant Classification Sherloc (09022015). Collection method: clinical testing. Allele origin: germline.
Comment: This sequence change replaces alanine, which is neutral and non-polar, with valine, which is neutral and non-polar, at codon 1870 of the TRRAP protein (p.Ala1870Val). This variant is present in population databases (rs782737208, gnomAD 0.005%). This variant has not been reported in the literature in individuals affected with TRRAP-related conditions. ClinVar contains an entry for this variant (Variation ID: 3974498). Invitae Evidence Modeling of protein sequence and biophysical properties (such as structural, functional, and spatial information, amino acid conservation, physicochemical variation, residue mobility, and thermodynamic stability) has been performed for this missense variant. However, the output from this modeling did not meet the statistical confidence thresholds required to predict the impact of this variant on TRRAP protein function. In summary, the available evidence is currently insufficient to determine the role of this variant in disease. Therefore, it has been classified as a Variant of Uncertain Significance.

Ambry Genetics
Classification: Uncertain significance for Inborn genetic diseases. Last evaluated: 2025-04-24. Review status: criteria provided, single submitter. Criteria: Ambry Variant Classification Scheme 2023. Collection method: clinical testing. Allele origin: germline.